The following is an entry in ClinVar:

ClinVar aggregate classification (germline): Likely benign (1 of 4 stars; one submission).

Allele frequency attached by ClinVar (database versions not stated): gnomAD exomes 0.00001; gnomAD 0.00001; ExAC 0.00002; ESP Exome Variant Server 0.00008; TOPMed 0.00002.

Submission:

GeneDx
Classification: Likely benign. Last evaluated: 2015-12-31. Review status: criteria provided, single submitter. Criteria: GeneDx Variant Classification (06012015). Collection method: clinical testing. Allele origin: germline. Affected: yes.
Comment: This variant is considered likely benign or benign based on one or more of the following criteria: it is a conservative change, it occurs at a poorly conserved position in the protein, it is predicted to be benign by multiple in silico algorithms, and/or has population frequency not consistent with disease.

NM_153033.5(KCTD7):c.606T>C (p.Tyr202=)

Gene: KCTD7 (potassium channel tetramerization domain containing 7; plus strand). Cytogenetic location: 7q11.21.
Variant type: single nucleotide variant.
Coding change: c.606T>C on transcript NM_153033.5 (MANE Select); coding-DNA position 606, T replaced by C.
Protein change: p.Tyr202=; no amino-acid change (tyrosine 202 retained).
Molecular consequence: synonymous variant.
Genome position (GRCh38, 1-based): chr7:66,638,968, T>C. VCF-style: chr7-66638968-T-C. GRCh37 (hg19) VCF-style: chr7-66103955-T-C.
Other names: c.606T>C, p.Tyr202= (NM_001167961.2).
Identifiers: ClinVar variation 382609 (VCV000382609.1), dbSNP rs372120833, ClinGen allele CA4278301.
Genomic context (GRCh38, chr7:66,638,968, plus strand): 5'-GGCCCGCTTTGCCAAGCTCAAGGTCTGTGTCTTCAAGGAGGAGATGCCCATCACCCCCTA[T>C]GAGTGTCCGCTCCTCAACTCCCTGCGATTTGAGCGGAGTGAGAGTGACGGGCAGCTTTTT-3'
Protein context (NP_694578.1, residues 192-212): VFKEEMPITP[Tyr202=]ECPLLNSLRF